The following is an entry in ClinVar:

NM_000016.6(ACADM):c.253G>T (p.Gly85Cys)

Gene: ACADM (acyl-CoA dehydrogenase medium chain; plus strand). Cytogenetic location: 1p31.1.
Variant type: single nucleotide variant.
Coding change: c.253G>T on transcript NM_000016.6 (MANE Select); coding-DNA position 253, G replaced by T.
Protein change: p.Gly85Cys; replaces glycine 85 with cysteine.
Molecular consequence: missense variant. On other transcripts: 5 prime UTR variant (1).
Genome position (GRCh38, 1-based): chr1:75,732,889, G>T. VCF-style: chr1-75732889-G-T. GRCh37 (hg19) VCF-style: chr1-76198574-G-T.
Other names: c.253G>T (NM_000016.4); c.265G>T, p.Gly89Cys (NM_001127328.3); c.145G>T, p.Gly49Cys (NM_001286042.2); c.253G>T, p.Gly85Cys (NM_001286043.2); c.-133G>T (NM_001286044.2); short protein forms G85C, G49C, G89C.
Identifiers: ClinVar variation 497550 (VCV000497550.22), dbSNP rs398123075, ClinGen allele CA340810000.

ClinVar aggregate classification (germline): Conflicting classifications of pathogenicity. Review status: criteria provided, conflicting classifications (1 of 4 stars). 8 submissions from 8 submitters: Pathogenic (3); Likely pathogenic (4); Uncertain significance (1). Last evaluated 2026-01-23.

Conditions:
Medium-chain acyl-coenzyme A dehydrogenase deficiency (ACADMD). Also called: CARNITINE DEFICIENCY SECONDARY TO MEDIUM-CHAIN ACYL-CoA DEHYDROGENASE DEFICIENCY; MCADH DEFICIENCY; MCAD Deficiency; MCADD; ACADM DEFICIENCY; Medium chain acyl-CoA dehydrogenase deficiency. Identifiers: Orphanet 42, MedGen C0220710, MONDO:0008721, OMIM 201450.

Allele frequency attached by ClinVar (database versions not stated): gnomAD exomes below 0.00001; gnomAD 0.00001; TOPMed 0.00002.
gnomAD v4.1: 90 of 1,613,730 alleles (0.0056%); highest among the groups gnomAD compares: Non-Finnish European, 0.0075%; no homozygotes.

Submissions (8):

Myriad Genetics, Inc.
Classification: Likely pathogenic for Medium-chain acyl-coenzyme A dehydrogenase deficiency. Last evaluated: 2026-01-23. Review status: criteria provided, single submitter. Criteria: Myriad Autosomal Dominant, Autosomal Recessive and X-Linked Classification Criteria (2023). Collection method: clinical testing. Allele origin: unknown.
Comment: NM_000016.4(ACADM):c.253G>T(G85C) is a missense variant classified as likely pathogenic in the context of medium-chain acyl-CoA dehydrogenase deficiency. G85C has been observed in cases with relevant disease (PMID: 12208138, 15171998, 20434380, 40110048). Relevant functional assessments of this variant are not available in the literature. Internal structural analysis of the variant is supportive of pathogenicity. G85C has been observed in referenced population frequency databases. In summary, NM_000016.4(ACADM):c.253G>T(G85C) is a missense variant that has been observed more frequently in cases with the relevant disease than in healthy populations. Please note: this variant was assessed in the context of healthy population screening.

Labcorp Genetics (formerly Invitae), Labcorp
Classification: Pathogenic for Medium-chain acyl-coenzyme A dehydrogenase deficiency. Last evaluated: 2025-10-23. Review status: criteria provided, single submitter. Criteria: Invitae Variant Classification Sherloc (09022015). Collection method: clinical testing. Allele origin: germline.
Comment: This sequence change replaces glycine, which is neutral and non-polar, with cysteine, which is neutral and slightly polar, at codon 85 of the ACADM protein (p.Gly85Cys). This variant is present in population databases (no rsID available, gnomAD 0.002%). This missense change has been observed in individual(s) with medium chain acyl-CoA dehydrogenase deficiency (PMID: 15171998, 20434380; internal data). In at least one individual the data is consistent with being in trans (on the opposite chromosome) from a pathogenic variant. ClinVar contains an entry for this variant (Variation ID: 497550). Invitae Evidence Modeling of protein sequence and biophysical properties (such as structural, functional, and spatial information, amino acid conservation, physicochemical variation, residue mobility, and thermodynamic stability) indicates that this missense variant is expected to disrupt ACADM protein function with a positive predictive value of 80%. For these reasons, this variant has been classified as Pathogenic.

Natera, Inc.
Classification: Likely pathogenic for Medium Chain Acyl-CoA Dehydrogenase Deficiency. Last evaluated: 2025-07-25. Review status: criteria provided, single submitter. Criteria: Natera Variant Classification Schema (03/2026). Collection method: clinical testing. Allele origin: germline.
Comment: The c.253G>T variant in ACADM is a missense variant predicted to cause substitution of glycine to cysteine at amino acid 85. This variant is rare in the general population with a frequency below the threshold expected for the associated phenotype(s). This variant has been observed in one or more individuals affected with the associated recessive disease, as either homozygous or compound heterozygous with a second variant (PMID: 16291504, 20434380, 15171998). Computational prediction algorithms indicate this variant is likely to affect gene or protein function. Given the available evidence, this variant is classified as Likely Pathogenic.

Daryl Scott Lab, Baylor College of Medicine
Classification: Pathogenic for Medium-chain acyl-coenzyme A dehydrogenase deficiency. Last evaluated: 2024-04-01. Review status: criteria provided, single submitter. Criteria: ACMG Guidelines, 2015. Collection method: clinical testing. Allele origin: unknown. Observed: 1 heterozygote.
Comment: PS4, PM3

GeneDx
Classification: Likely pathogenic. Last evaluated: 2023-12-23. Review status: criteria provided, single submitter. Criteria: GeneDx Variant Classification Process June 2021. Collection method: clinical testing. Allele origin: germline. Affected: yes.
Comment: Not observed at a significant frequency in large population cohorts (gnomAD); In silico analysis supports that this missense variant has a deleterious effect on protein structure/function; This variant is associated with the following publications: (PMID: 25525159, 20434380, 15171998, 22683754, 32778825, 16291504)

Baylor Genetics
Classification: Pathogenic for Medium-chain acyl-coenzyme A dehydrogenase deficiency. Last evaluated: 2023-12-05. Review status: criteria provided, single submitter. Criteria: ACMG Guidelines, 2015. Collection method: clinical testing. Allele origin: unknown.

Revvity Omics, Revvity
Classification: Likely pathogenic for Medium-chain acyl-coenzyme A dehydrogenase deficiency. Last evaluated: 2020-11-30. Review status: criteria provided, single submitter. Criteria: ACMG Guidelines, 2015. Collection method: clinical testing. Allele origin: germline.

Eurofins Ntd Llc (ga)
Classification: Uncertain significance. Last evaluated: 2016-10-24. Review status: criteria provided, single submitter. Criteria: EGL Classification Definitions 2015. Collection method: clinical testing. Allele origin: germline. Observed: 2 variant alleles, 2 heterozygotes.

Literature cited by the submitters: PubMed 12208138 (cited by Myriad Genetics, Inc.); PubMed 15171998 (cited by 3 submitters); PubMed 20434380 (cited by 3 submitters); PubMed 40110048 (cited by Myriad Genetics, Inc.); PubMed 16291504 (cited by Natera, Inc.).